The following is an entry in ClinVar:

ClinVar aggregate classification (germline): Uncertain significance (1 of 4 stars; one submission).

gnomAD v4.1: 3 of 1,552,820 alleles (0.00019%); highest among the groups gnomAD compares: Non-Finnish European, 0.00026%; no homozygotes.

Submission:

Labcorp Genetics (formerly Invitae), Labcorp
Classification: Uncertain significance. Last evaluated: 2025-07-11. Review status: criteria provided, single submitter. Criteria: Invitae Variant Classification Sherloc (09022015). Collection method: clinical testing. Allele origin: germline.
Comment: This sequence change replaces arginine, which is basic and polar, with glutamine, which is neutral and polar, at codon 215 of the NACC1 protein (p.Arg215Gln). The frequency data for this variant in the population databases is considered unreliable, as metrics indicate poor data quality at this position in the gnomAD database. This missense change has been observed in individual(s) with developmental delay (PMID: 33057194, 35982159). Invitae Evidence Modeling of protein sequence and biophysical properties (such as structural, functional, and spatial information, amino acid conservation, physicochemical variation, residue mobility, and thermodynamic stability) indicates that this missense variant is not expected to disrupt NACC1 protein function with a negative predictive value of 80%. In summary, the available evidence is currently insufficient to determine the role of this variant in disease. Therefore, it has been classified as a Variant of Uncertain Significance.

Literature cited by the submitters: PubMed 33057194; PubMed 35982159.

NM_052876.4(NACC1):c.644G>A (p.Arg215Gln)

Gene: NACC1 (nucleus accumbens associated 1; plus strand). Cytogenetic location: 19p13.13.
Variant type: single nucleotide variant.
Coding change: c.644G>A on transcript NM_052876.4 (MANE Select); coding-DNA position 644, G replaced by A.
Protein change: p.Arg215Gln; replaces arginine 215 with glutamine.
Molecular consequence: missense variant.
Genome position (GRCh38, 1-based): chr19:13,135,851, G>A. VCF-style: chr19-13135851-G-A. GRCh37 (hg19) VCF-style: chr19-13246665-G-A.
Other names: short protein forms R215Q.
Identifiers: ClinVar variation 4762679 (VCV004762679.1).